The following is an entry in ClinVar:

NM_012123.4(MTO1):c.142G>A (p.Gly48Arg)

Gene: MTO1 (mitochondrial tRNA translation optimization 1; plus strand). Cytogenetic location: 6q13.
Variant type: single nucleotide variant.
Coding change: c.142G>A on transcript NM_012123.4 (MANE Select); coding-DNA position 142, G replaced by A.
Protein change: p.Gly48Arg; replaces glycine 48 with arginine.
Molecular consequence: missense variant.
Genome position (GRCh38, 1-based): chr6:73,461,996, G>A. VCF-style: chr6-73461996-G-A. GRCh37 (hg19) VCF-style: chr6-74171719-G-A.
Other names: c.142G>A, p.Gly48Arg (NM_001123226.2, NM_133645.3); short protein forms G48R.
Identifiers: ClinVar variation 1716709 (VCV001716709.5), dbSNP rs2150024452, ClinGen allele CA364711978.

ClinVar aggregate classification (germline): Uncertain significance (1 of 4 stars; one submission).

Conditions:
Mitochondrial hypertrophic cardiomyopathy with lactic acidosis due to MTO1 deficiency. Also called: Combined oxidative phosphorylation deficiency 10; CARDIOMYOPATHY, INFANTILE HYPERTROPHIC MITOCHONDRIAL, AND LACTIC ACIDOSIS. Identifiers: Orphanet 314637, MedGen C4749921, MONDO:0013865, OMIM 614702.

Allele frequency attached by ClinVar (database versions not stated): gnomAD 0.00001; 1000 Genomes Project 30x 0.00016.
gnomAD v4.1: 1 of 1,614,022 alleles (0.000062%); highest among the groups gnomAD compares: African/African-American, 0.0013%; no homozygotes.

Submission:

Labcorp Genetics (formerly Invitae), Labcorp
Classification: Uncertain significance for Mitochondrial hypertrophic cardiomyopathy with lactic acidosis due to MTO1 deficiency. Last evaluated: 2022-07-17. Review status: criteria provided, single submitter. Criteria: Invitae Variant Classification Sherloc (09022015). Collection method: clinical testing. Allele origin: germline.
Comment: In summary, the available evidence is currently insufficient to determine the role of this variant in disease. Therefore, it has been classified as a Variant of Uncertain Significance. Algorithms developed to predict the effect of missense changes on protein structure and function are either unavailable or do not agree on the potential impact of this missense change (SIFT: "Deleterious"; PolyPhen-2: "Probably Damaging"; Align-GVGD: "Class C0"). This sequence change replaces glycine, which is neutral and non-polar, with arginine, which is basic and polar, at codon 48 of the MTO1 protein (p.Gly48Arg). This variant is not present in population databases (gnomAD no frequency). This variant has not been reported in the literature in individuals affected with MTO1-related conditions.